The following is an entry in ClinVar:

ClinVar aggregate classification (germline): Pathogenic (1 of 4 stars; one submission).

Conditions:
Spastic paraplegia. Identifiers: MedGen C0037772, HP:0001258.

Submission:

Labcorp Genetics (formerly Invitae), Labcorp
Classification: Pathogenic for Spastic paraplegia. Last evaluated: 2020-01-01. Review status: criteria provided, single submitter. Criteria: Invitae Variant Classification Sherloc (09022015). Collection method: clinical testing. Allele origin: germline.
Comment: This sequence change results in a premature translational stop signal in the SACS gene (p.Leu3192Phefs*4). While this is not anticipated to result in nonsense mediated decay, it is expected to disrupt the last 1,388 amino acids of the SACS protein. This variant is not present in population databases (ExAC no frequency). This variant has not been reported in the literature in individuals with SACS-related conditions. This variant disrupts the C-terminus of the SACS protein. Other variant(s) that disrupt this region (p.Gln4054*) have been determined to be pathogenic (PMID: 18465152, 27288452, Invitae). This suggests that variants that disrupt this region of the protein are likely to be causative of disease. For these reasons, this variant has been classified as Pathogenic.

Literature cited by the submitters: PubMed 18465152; PubMed 27288452.

NM_014363.6(SACS):c.9576_9580del (p.Leu3192fs)

Gene: SACS (sacsin molecular chaperone; minus strand). Cytogenetic location: 13q12.12.
Variant type: Deletion.
Coding change: c.9576_9580del on transcript NM_014363.6 (MANE Select); coding-DNA positions 9576 to 9580, 5 bases deleted (ATATT; older notation c.9576_9580delATATT).
Protein change: p.Leu3192fs; shifts the reading frame from leucine 3192.
Molecular consequence: frameshift variant.
Genome position (GRCh38, 1-based): chr13:23,334,296-23,334,300, AATAT deleted on the plus strand (ATATT on the coding strand, the reverse complement: SACS is on the minus strand); deleting any 5 consecutive bases within chr13:23,334,296-23,334,303 gives the same sequence; the c. name uses the placement nearest the transcript's 3' end. VCF-style (leftmost placement, unchanged base first): chr13-23334295-AAATAT-A. GRCh37 (hg19) VCF-style: chr13-23908434-AAATAT-A.
Other names: c.9135_9139del, p.Leu3045fs (NM_001278055.2); short protein forms L3045fs, L3192fs.
Identifiers: ClinVar variation 954880 (VCV000954880.9), dbSNP rs1883687132, ClinGen allele CA1139663024.